The following is an entry in ClinVar:

NM_001040108.2(MLH3):c.3172G>T (p.Val1058Phe)

Gene: MLH3 (mutL homolog 3; minus strand). Cytogenetic location: 14q24.3.
Variant type: single nucleotide variant.
Coding change: c.3172G>T on transcript NM_001040108.2 (MANE Select); coding-DNA position 3172, G replaced by T.
Protein change: p.Val1058Phe; replaces valine 1058 with phenylalanine.
Molecular consequence: missense variant.
Genome position (GRCh38, 1-based): chr14:75,046,484, C>A on the plus strand (G>T on the coding strand, the complement: MLH3 is on the minus strand). VCF-style: chr14-75046484-C-A. GRCh37 (hg19) VCF-style: chr14-75513187-C-A.
Other names: c.3172G>T, p.Val1058Phe (NM_014381.3); short protein forms V1058F.
Identifiers: ClinVar variation 1728453 (VCV001728453.5), dbSNP rs773131164, ClinGen allele CA390435421.
Genomic context (GRCh38, chr14:75,046,484, plus strand): 5'-AAGCAGCCTGAATGTCCTCAGTTGGGGCAATGAATGTGCTGAGTCCAGTCATTTTGTTGA[C>A]ATAAACCATTCTTCCCAGGGCTACATCGAAATGCCGCTGCCAATCTGAACAACACGTGTT-3'
Protein context (NP_001035197.1, residues 1048-1068): FDVALGRMVY[Val1058Phe]NKMTGLSTFI

ClinVar aggregate classification (germline): Uncertain significance. Review status: criteria provided, multiple submitters, no conflicts (2 of 4 stars). 2 submissions from 2 submitters: Uncertain significance (2). Last evaluated 2024-12-20.

Conditions:
Colorectal cancer, hereditary nonpolyposis, type 7. Identifiers: Orphanet 144, MedGen C1858380, MONDO:0013725, OMIM 614385.

Allele frequency attached by ClinVar (database versions not stated): gnomAD 0.00001; TOPMed 0.00001.
gnomAD v4.1: 2 of 1,614,078 alleles (0.00012%); highest among the groups gnomAD compares: Non-Finnish European, 0.00017%; no homozygotes.

Submissions (2):

Ambry Genetics
Classification: Uncertain significance. Last evaluated: 2024-12-20. Review status: criteria provided, single submitter. Criteria: Ambry Variant Classification Scheme 2023. Collection method: clinical testing. Allele origin: germline.
Comment: The p.V1058F variant (also known as c.3172G>T), located in coding exon 1 of the MLH3 gene, results from a G to T substitution at nucleotide position 3172. The valine at codon 1058 is replaced by phenylalanine, an amino acid with highly similar properties. This amino acid position is conserved. In addition, the in silico prediction for this alteration is inconclusive. Since supporting evidence is limited at this time, the clinical significance of this alteration remains unclear.

Labcorp Genetics (formerly Invitae), Labcorp
Classification: Uncertain significance for Colorectal cancer, hereditary nonpolyposis, type 7. Last evaluated: 2024-09-23. Review status: criteria provided, single submitter. Criteria: Invitae Variant Classification Sherloc (09022015). Collection method: clinical testing. Allele origin: germline.
Comment: This sequence change replaces valine, which is neutral and non-polar, with phenylalanine, which is neutral and non-polar, at codon 1058 of the MLH3 protein (p.Val1058Phe). This variant is not present in population databases (gnomAD no frequency). This variant has not been reported in the literature in individuals affected with MLH3-related conditions. ClinVar contains an entry for this variant (Variation ID: 1728453). An algorithm developed to predict the effect of missense changes on protein structure and function (PolyPhen-2) suggests that this variant is likely to be disruptive. In summary, the available evidence is currently insufficient to determine the role of this variant in disease. Therefore, it has been classified as a Variant of Uncertain Significance.